The following is an entry in ClinVar:

ClinVar aggregate classification (germline): Uncertain significance (1 of 4 stars; one submission).

Conditions:
Leigh syndrome (NULS). Also called: Leigh's necrotizing encephalopathy; Leigh's disease; Leigh Syndrome (mtDNA deletion); Leigh Disease; Subacute necrotizing encephalopathy; Necrotizing encephalopathy infantile subacute of Leigh. Identifiers: Orphanet 506, MedGen C2931891, MONDO:0009723, OMIM 256000.

Submission:

Wong Mito Lab, Molecular and Human Genetics, Baylor College of Medicine
Classification: Uncertain significance for Leigh syndrome. Last evaluated: 2019-10-17. Review status: criteria provided, single submitter. Criteria: Modified ACMG Guidelines (Unpublished). Collection method: clinical testing. Allele origin: germline.
Comment: The NC_012920.1:m.8821T>C (YP_003024031.1:p.Ser99Pro) variant in MTATP6 gene is interpretated to be a Uncertain Significance variant based on the modified ACMG guidelines (unpublished). This variant meets the following evidence codes: no criteria

NC_012920.1(MT-ATP6):m.8821T>C

Gene: MT-ATP6 (mitochondrially encoded ATP synthase 6; plus strand).
Variant type: single nucleotide variant.
Genome position: chrM-8821-T-C.
Identifiers: ClinVar variation 692992 (VCV000692992.1), dbSNP rs1603221825, ClinGen allele CA414798289.